The following is an entry in ClinVar:

NM_001164508.2(NEB):c.11730C>G (p.Asp3910Glu)

Gene: NEB (nebulin; minus strand). Cytogenetic location: 2q23.3.
Variant type: single nucleotide variant.
Coding change: c.11730C>G on transcript NM_001164508.2 (MANE Select); coding-DNA position 11730, C replaced by G.
Protein change: p.Asp3910Glu; replaces aspartic acid 3910 with glutamic acid.
Molecular consequence: missense variant.
Genome position (GRCh38, 1-based): chr2:151,612,261, G>C on the plus strand (C>G on the coding strand, the complement: NEB is on the minus strand). VCF-style: chr2-151612261-G-C. GRCh37 (hg19) VCF-style: chr2-152468775-G-C.
Other names: c.11730C>G, p.Asp3910Glu (NM_001164507.2, NM_001271208.2); c.11001C>G, p.Asp3667Glu (NM_004543.5); short protein forms D3667E, D3910E.
Identifiers: ClinVar variation 2043386 (VCV002043386.2), dbSNP rs760724498, ClinGen allele CA57636631.

ClinVar aggregate classification (germline): Uncertain significance. Review status: criteria provided, multiple submitters, no conflicts (2 of 4 stars). 2 submissions from 2 submitters: Uncertain significance (2). Last evaluated 2022-11-18.

Conditions:
Nemaline myopathy 2 (NEM2). Also called: Nemaline myopathy 2, autosomal recessive. Identifiers: MedGen C1850569, MONDO:0009725, OMIM 256030.
Inborn genetic diseases. Identifiers: MedGen C0950123, MeSH D030342.

gnomAD v4.1: 38 of 1,613,842 alleles (0.0024%); highest among the groups gnomAD compares: Non-Finnish European, 0.0031%; no homozygotes.

Submissions (2):

Ambry Genetics
Classification: Uncertain significance for Inborn genetic diseases. Last evaluated: 2022-11-18. Review status: criteria provided, single submitter. Criteria: Ambry Variant Classification Scheme 2023. Collection method: clinical testing. Allele origin: germline.

Labcorp Genetics (formerly Invitae), Labcorp
Classification: Uncertain significance for Nemaline myopathy 2. Last evaluated: 2022-03-18. Review status: criteria provided, single submitter. Criteria: Invitae Variant Classification Sherloc (09022015). Collection method: clinical testing. Allele origin: germline.
Comment: This sequence change replaces aspartic acid, which is acidic and polar, with glutamic acid, which is acidic and polar, at codon 3910 of the NEB protein (p.Asp3910Glu). This variant is present in population databases (rs760724498, gnomAD 0.004%). This variant has not been reported in the literature in individuals affected with NEB-related conditions. Algorithms developed to predict the effect of missense changes on protein structure and function are either unavailable or do not agree on the potential impact of this missense change (SIFT: "Deleterious"; PolyPhen-2: "Not Available"; Align-GVGD: "Class C0"). In summary, the available evidence is currently insufficient to determine the role of this variant in disease. Therefore, it has been classified as a Variant of Uncertain Significance.